The following is an entry in ClinVar:

NM_002858.4(ABCD3):c.391G>A (p.Ala131Thr)

Gene: ABCD3 (ATP binding cassette subfamily D member 3; plus strand). Cytogenetic location: 1p21.3.
Variant type: single nucleotide variant.
Coding change: c.391G>A on transcript NM_002858.4 (MANE Select); coding-DNA position 391, G replaced by A.
Protein change: p.Ala131Thr; replaces alanine 131 with threonine.
Molecular consequence: missense variant.
Genome position (GRCh38, 1-based): chr1:94,473,821, G>A. VCF-style: chr1-94473821-G-A. GRCh37 (hg19) VCF-style: chr1-94939377-G-A.
Other names: c.391G>A, p.Ala131Thr (NM_001122674.2); short protein forms A131T.
Identifiers: ClinVar variation 2301055 (VCV002301055.4), dbSNP rs138378383, ClinGen allele CA960109.

ClinVar aggregate classification (germline): Uncertain significance. Review status: criteria provided, multiple submitters, no conflicts (2 of 4 stars). 2 submissions from 2 submitters: Uncertain significance (2). Last evaluated 2024-05-09.

Allele frequency attached by ClinVar (database versions not stated): ExAC 0.00004; gnomAD 0.00005; TOPMed 0.00005; ESP Exome Variant Server 0.00008.
gnomAD v4.1: 82 of 1,611,980 alleles (0.0051%); highest among the groups gnomAD compares: Non-Finnish European, 0.0064%; no homozygotes.

Submissions (2):

Labcorp Genetics (formerly Invitae), Labcorp
Classification: Uncertain significance. Last evaluated: 2024-05-09. Review status: criteria provided, single submitter. Criteria: Invitae Variant Classification Sherloc (09022015). Collection method: clinical testing. Allele origin: germline.
Comment: This sequence change replaces alanine, which is neutral and non-polar, with threonine, which is neutral and polar, at codon 131 of the ABCD3 protein (p.Ala131Thr). This variant is present in population databases (rs138378383, gnomAD 0.006%). This variant has not been reported in the literature in individuals affected with ABCD3-related conditions. ClinVar contains an entry for this variant (Variation ID: 2301055). An algorithm developed to predict the effect of missense changes on protein structure and function (PolyPhen-2) suggests that this variant is likely to be tolerated. In summary, the available evidence is currently insufficient to determine the role of this variant in disease. Therefore, it has been classified as a Variant of Uncertain Significance.

Ambry Genetics
Classification: Uncertain significance. Last evaluated: 2022-07-12. Review status: criteria provided, single submitter. Criteria: Ambry Variant Classification Scheme 2023. Collection method: clinical testing. Allele origin: germline.